The following is an entry in ClinVar:

ClinVar aggregate classification (germline): Uncertain significance (1 of 4 stars; one submission).

Conditions:
Xanthinuria type II. Also called: Xanthine dehydrogenase and aldehyde oxidase combined deficiency of; XDH and AOX dual deficiency. Identifiers: Orphanet 3467, Orphanet 93602, MedGen C1863688, MONDO:0011346, OMIM 603592.

Submission:

Labcorp Genetics (formerly Invitae), Labcorp
Classification: Uncertain significance for Xanthinuria type II. Last evaluated: 2022-10-17. Review status: criteria provided, single submitter. Criteria: Invitae Variant Classification Sherloc (09022015). Collection method: clinical testing. Allele origin: germline.
Comment: This variant is not present in population databases (gnomAD no frequency). In summary, the available evidence is currently insufficient to determine the role of this variant in disease. Therefore, it has been classified as a Variant of Uncertain Significance. Algorithms developed to predict the effect of missense changes on protein structure and function (SIFT, PolyPhen-2, Align-GVGD) all suggest that this variant is likely to be tolerated. This variant has not been reported in the literature in individuals affected with XDH-related conditions. This sequence change replaces valine, which is neutral and non-polar, with leucine, which is neutral and non-polar, at codon 308 of the XDH protein (p.Val308Leu).

NM_000379.4(XDH):c.922G>C (p.Val308Leu)

Gene: XDH (xanthine dehydrogenase; minus strand). Cytogenetic location: 2p23.1.
Variant type: single nucleotide variant.
Coding change: c.922G>C on transcript NM_000379.4 (MANE Select); coding-DNA position 922, G replaced by C.
Protein change: p.Val308Leu; replaces valine 308 with leucine.
Molecular consequence: missense variant.
Genome position (GRCh38, 1-based): chr2:31,383,117, C>G on the plus strand (G>C on the coding strand, the complement: XDH is on the minus strand). VCF-style: chr2-31383117-C-G. GRCh37 (hg19) VCF-style: chr2-31605983-C-G.
Other names: short protein forms V308L.
Identifiers: ClinVar variation 2052279 (VCV002052279.4), dbSNP rs1686482586, ClinGen allele CA346509224.
Genomic context (GRCh38, chr2:31,383,117, plus strand): 5'-TGAACACCTCTGTCTTTTGGGCAGGAAGCTTAGCAACAGCATCCACCAGGGTTTTTTCCA[C>G]AATGCTCAGGGGGCAAGCAGCTCCAAAGGAGATACCTGGGAACGCACGTTCGGAATCACA-3'
Protein context (NP_000370.2, residues 298-318): SFGAACPLSI[Val308Leu]EKTLVDAVAK